The following is an entry in ClinVar:

ClinVar aggregate classification (germline): Uncertain significance (1 of 4 stars; one submission).

Conditions:
Inborn genetic diseases. Identifiers: MedGen C0950123, MeSH D030342.

Submission:

Ambry Genetics
Classification: Uncertain significance for Inborn genetic diseases. Last evaluated: 2022-12-12. Review status: criteria provided, single submitter. Criteria: Ambry Variant Classification Scheme 2023. Collection method: clinical testing. Allele origin: germline.
Comment: The p.Q1521K variant (also known as c.4561C>A), located in coding exon 32 of the LRRK2 gene, results from a C to A substitution at nucleotide position 4561. The glutamine at codon 1521 is replaced by lysine, an amino acid with similar properties. This amino acid position is conserved. In addition, the in silico prediction for this alteration is inconclusive. Since supporting evidence is limited at this time, the clinical significance of this alteration remains unclear.

NM_198578.4(LRRK2):c.4561C>A (p.Gln1521Lys)

Gene: LRRK2 (leucine rich repeat kinase 2; plus strand). Cytogenetic location: 12q12.
Variant type: single nucleotide variant.
Coding change: c.4561C>A on transcript NM_198578.4 (MANE Select); coding-DNA position 4561, C replaced by A.
Protein change: p.Gln1521Lys; replaces glutamine 1521 with lysine.
Molecular consequence: missense variant.
Genome position (GRCh38, 1-based): chr12:40,313,996, C>A. VCF-style: chr12-40313996-C-A. GRCh37 (hg19) VCF-style: chr12-40707798-C-A.
Other names: short protein forms Q1521K.
Identifiers: ClinVar variation 2447262 (VCV002447262.2), dbSNP rs2499845634, ClinGen allele CA384418782.